The following is an entry in ClinVar:

ClinVar aggregate classification (germline): Likely pathogenic. Review status: reviewed by expert panel (3 of 4 stars). 4 submissions from 4 submitters: Likely pathogenic (1). 3 of the submissions do not count toward it. Last evaluated 2024-11-05.

Conditions:
Hereditary factor IX deficiency disease (HEMB). Also called: Christmas Disease; PLASMA THROMBOPLASTIN COMPONENT DEFICIENCY; F9 DEFICIENCY; FACTOR IX DEFICIENCY; Hemophilia B. Identifiers: Orphanet 98879, MedGen C0008533, MeSH D002836, MONDO:0010604, OMIM 306900.
Thrombophilia, X-linked, due to factor 9 defect. Identifiers: MedGen C2749016, MONDO:0010432, OMIM 300807.

Submissions (4):

ClinGen Coagulation Factor Deficiency Variant Curation Expert Panel, Clingen
Classification: Likely pathogenic for Hereditary factor IX deficiency disease. Last evaluated: 2024-11-05. Review status: reviewed by expert panel. Criteria: ClinGen CoagFactor ACMG Specifications F9 V1.0.0. Collection method: curation. Allele origin: germline. Inheritance: X-linked inheritance.
Comment: The NM_000133.4(F9):c.520G>A (p.Val174Met) missense variant is completely absent from gnomAD v2.1.1 and v3.1.2 meeting criteria for PM2_Supporting. The variant has a REVEL score of 0.811 (>0.6) meeting criteria for PP3. The variant changes the last nucleotide of exon 5 and SpliceAI predicts a donor loss of intron 5 (delta score of 0.66) meeting criteria for PM1. At least four probands with moderate or severe hemophilia B are reported in the literature and internal laboratory data (PMID: 1680287; doi: 10.5336/medsci.2020-75066), meeting criteria for PS4. In summary, this variant meets criteria to be classified as likely pathogenic. ACMG/AMP criteria applied, as specified by the Coagulation Factor Deficiency Variant Curation Expert Panel for F9 (Released 10/5/2023): PM1, PS4_Moderate, PP3, PM2_Supporting.

Labcorp Genetics (formerly Invitae), Labcorp
Classification: Likely pathogenic for Thrombophilia, X-linked, due to factor 9 defect; Hereditary factor IX deficiency disease. Last evaluated: 2025-09-02. Review status: criteria provided, single submitter. Criteria: Invitae Variant Classification Sherloc (09022015). Collection method: clinical testing. Allele origin: germline. Not counted in ClinVar's aggregate classification.
Comment: This sequence change replaces valine, which is neutral and non-polar, with methionine, which is neutral and non-polar, at codon 174 of the F9 protein (p.Val174Met). This variant also falls at the last nucleotide of exon 5, which is part of the consensus splice site for this exon. This variant is not present in population databases (gnomAD no frequency). This missense change has been observed in individuals with hemophilia B (PMID: 19699296, 36787808). This variant is also known as 128V>M. ClinVar contains an entry for this variant (Variation ID: 811516). An algorithm developed to predict the effect of missense changes on protein structure and function (PolyPhen-2) suggests that this variant is likely to be disruptive. Variants that disrupt the consensus splice site are a relatively common cause of aberrant splicing (PMID: 17576681, 9536098). Algorithms developed to predict the effect of sequence changes on RNA splicing suggest that this variant may disrupt the consensus splice site. In summary, the currently available evidence indicates that the variant is pathogenic, but additional data are needed to prove that conclusively. Therefore, this variant has been classified as Likely Pathogenic.

Women's Health and Genetics/Laboratory Corporation of America, LabCorp
Classification: Likely pathogenic for Hereditary factor IX deficiency disease. Last evaluated: 2023-09-08. Review status: criteria provided, single submitter. Criteria: LabCorp Variant Classification Summary - May 2015. Collection method: clinical testing. Allele origin: germline. Not counted in ClinVar's aggregate classification.
Comment: Variant summary: F9 c.520G>A (p.Val174Met) results in a conservative amino acid change in the encoded protein sequence. Three of five in-silico tools predict a damaging effect of the variant on protein function. Several computational tools predict a significant impact on normal splicing: Two predict the variant abolishes a 5' splicing donor site. At least one publication reports experimental evidence that this variant results in skipping of exon 5 (Balestra_2019). The variant was absent in 178517 control chromosomes. c.520G>A has been reported in the literature in individuals affected with Factor IX Deficiency (Hemophilia B)(Bottema_1991, Giannelli_1994). The following publications have been ascertained in the context of this evaluation (PMID: 1680287, 7937052, 31234407, 27109384, 19699296). One submitter has cited clinical-significance assessments for this variant to ClinVar after 2014 and has classified the variant as likely pathogenic. Based on the evidence outlined above, the variant was classified as likely pathogenic.

ARUP Laboratories, Molecular Genetics and Genomics, ARUP Laboratories
Classification: Likely pathogenic. Last evaluated: 2019-07-01. Review status: criteria provided, single submitter. Criteria: ARUP Molecular Germline Variant Investigation Process. Collection method: clinical testing. Allele origin: germline. Not counted in ClinVar's aggregate classification.
Comment: The F9 c.520G>A; p.Val174Met variant, also published as Val128Met in mature protein nomenclature, is reported in the medical literature in at least two individuals with hemophilia B (Chavali 2009, Giannelli 1994). This variant is absent from general population databases (Exome Variant Server, Genome Aggregation Database), indicating it is not a common polymorphism. Additionally, another variant in the same codon, p.Val174Leu, has been reported in an individual with hemophilia B (wang 2016). The valine at this position is highly conserved, occurs in the linker domain, and computational analyses (SIFT, PolyPhen-2) predict that this variant is deleterious. This variant also occurs in the last nucleotide of the exon, which is often a conserved G nucleotide, and splicing algorithms (Alamut v.2.11) predict this variant disrupts the canonical splice donor, which may negatively impact gene function. Considering available information, this variant is classified as likely pathogenic. References: Chavali S et al. Hemophilia B is a quasi-quantitative condition with certain mutations showing phenotypic plasticity. Genomics. 2009 Dec;94(6):433-7. Giannelli F et al. Haemophilia B: database of point mutations and short additions and deletions, fifth edition, 1994. Nucleic Acids Res. 1994 Sep;22(17):3534-46. Wang QY et al. A genetic analysis of 23 Chinese patients with hemophilia B. Sci Rep. 2016 Apr 25;6:25024.

Literature cited by the submitters: PubMed 19699296 (cited by Labcorp Genetics (formerly Invitae), Labcorp and Women's Health and Genetics/Laboratory Corporation of America, LabCorp); PubMed 36787808 (cited by Labcorp Genetics (formerly Invitae), Labcorp); PubMed 17576681 (cited by Labcorp Genetics (formerly Invitae), Labcorp); PubMed 9536098 (cited by Labcorp Genetics (formerly Invitae), Labcorp); PubMed 7937052 (cited by Women's Health and Genetics/Laboratory Corporation of America, LabCorp); PubMed 1680287 (cited by Women's Health and Genetics/Laboratory Corporation of America, LabCorp); PubMed 27109384 (cited by Women's Health and Genetics/Laboratory Corporation of America, LabCorp); PubMed 31234407 (cited by Women's Health and Genetics/Laboratory Corporation of America, LabCorp).

NM_000133.4(F9):c.520G>A (p.Val174Met)

Gene: F9 (coagulation factor IX; plus strand). Cytogenetic location: Xq27.1.
Variant type: single nucleotide variant.
Coding change: c.520G>A on transcript NM_000133.4 (MANE Select); coding-DNA position 520, G replaced by A.
Protein change: p.Val174Met; replaces valine 174 with methionine.
Molecular consequence: missense variant.
Genome position (GRCh38, 1-based): chrX:139,548,491, G>A. VCF-style: chrX-139548491-G-A. GRCh37 (hg19) VCF-style: chrX-138630650-G-A.
Other names: NM_000133.4(F9):c.520G>A; p.Val174Met; c.406G>A, p.Val136Met (NM_001313913.2); c.520G>A (NM_000133.3); short protein forms V136M, V174M.
Identifiers: ClinVar variation 811516 (VCV000811516.11), dbSNP rs1603265504, ClinGen allele CA414439515.